The following is an entry in ClinVar:

NM_004385.5(VCAN):c.6334A>T (p.Ser2112Cys)

Genes: VCAN (versican; plus strand), VCAN-AS1 (VCAN antisense RNA 1; minus strand). Cytogenetic location: 5q14.3.
Variant type: single nucleotide variant.
Coding change: c.6334A>T on transcript NM_004385.5 (MANE Select); coding-DNA position 6334, A replaced by T.
Protein change: p.Ser2112Cys; replaces serine 2112 with cysteine.
Molecular consequence: missense variant. On other transcripts: intron variant (2).
Genome position (GRCh38, 1-based): chr5:83,539,337, A>T. VCF-style: chr5-83539337-A-T. GRCh37 (hg19) VCF-style: chr5-82835156-A-T.
Other names: c.3373A>T, p.Ser1125Cys (NM_001164097.2); c.4004-6200A>T (NM_001164098.2); c.1043-6200A>T (NM_001126336.3); short protein forms S1125C, S2112C.
Identifiers: ClinVar variation 959405 (VCV000959405.10), dbSNP rs1746868415, ClinGen allele CA360312323.

ClinVar aggregate classification (germline): Uncertain significance. Review status: criteria provided, multiple submitters, no conflicts (2 of 4 stars). 2 submissions from 2 submitters: Uncertain significance (2). Last evaluated 2025-10-06.

Conditions:
Inborn genetic diseases. Identifiers: MedGen C0950123, MeSH D030342.

Allele frequency attached by ClinVar (database versions not stated): gnomAD exomes below 0.00001.
gnomAD v4.1: 1 of 1,614,124 alleles (0.000062%); highest among the groups gnomAD compares: African/African-American, 0.0013%; no homozygotes.

Submissions (2):

Ambry Genetics
Classification: Uncertain significance for Inborn genetic diseases. Last evaluated: 2025-10-06. Review status: criteria provided, single submitter. Criteria: Ambry Variant Classification Scheme 2023. Collection method: clinical testing. Allele origin: germline.

Labcorp Genetics (formerly Invitae), Labcorp
Classification: Uncertain significance. Last evaluated: 2019-08-22. Review status: criteria provided, single submitter. Criteria: Invitae Variant Classification Sherloc (09022015). Collection method: clinical testing. Allele origin: germline.
Comment: In summary, the available evidence is currently insufficient to determine the role of this variant in disease. Therefore, it has been classified as a Variant of Uncertain Significance. Algorithms developed to predict the effect of missense changes on protein structure and function are either unavailable or do not agree on the potential impact of this missense change (SIFT: "Deleterious"; PolyPhen-2: "Possibly Damaging"; Align-GVGD: "Class C15"). This variant has not been reported in the literature in individuals with VCAN-related conditions. This variant is not present in population databases (ExAC no frequency). This sequence change replaces serine with cysteine at codon 2112 of the VCAN protein (p.Ser2112Cys). The serine residue is moderately conserved and there is a moderate physicochemical difference between serine and cysteine.